The following is an entry in ClinVar:

ClinVar aggregate classification (germline): Likely benign (1 of 4 stars; one submission).

Allele frequency attached by ClinVar (database versions not stated): ExAC below 0.00001; gnomAD exomes 0.00001; TOPMed 0.00001.
gnomAD v4.1: 7 of 1,551,324 alleles (0.00045%); highest among the groups gnomAD compares: Non-Finnish European, 0.00061%; no homozygotes.

Submission:

GeneDx
Classification: Likely benign. Last evaluated: 2017-10-23. Review status: criteria provided, single submitter. Criteria: GeneDx Variant Classification (06012015). Collection method: clinical testing. Allele origin: germline. Affected: yes.
Comment: This variant is considered likely benign or benign based on one or more of the following criteria: it is a conservative change, it occurs at a poorly conserved position in the protein, it is predicted to be benign by multiple in silico algorithms, and/or has population frequency not consistent with disease.

NM_006393.3(NEBL):c.-9A>G

Gene: NEBL (nebulette; minus strand). Cytogenetic location: 10p12.31.
Variant type: single nucleotide variant.
Coding change: c.-9A>G on transcript NM_006393.3 (MANE Select); 9 bases upstream of the start codon, A replaced by G.
Molecular consequence: 5 prime UTR variant. On other transcripts: intron variant (9).
Genome position (GRCh38, 1-based): chr10:20,897,214, T>C on the plus strand (A>G on the coding strand, the complement: NEBL is on the minus strand). VCF-style: chr10-20897214-T-C. GRCh37 (hg19) VCF-style: chr10-21186143-T-C.
Other names: c.249+64458A>G (NM_001377326.1, NM_001377327.1, NM_001377328.1); c.357+64458A>G (NM_213569.2, NM_001173484.2, NM_001377322.1); c.300+64458A>G (NM_001377324.1); c.291+64458A>G (NM_001377325.1); c.309+64458A>G (NM_001377323.1).
Identifiers: ClinVar variation 512777 (VCV000512777.1), dbSNP rs772236141, ClinGen allele CA5433423.